The following is an entry in ClinVar:

NM_001160372.4(TRAPPC9):c.1693G>A (p.Val565Met)

Gene: TRAPPC9 (trafficking protein particle complex subunit 9; minus strand). Cytogenetic location: 8q24.3.
Variant type: single nucleotide variant.
Coding change: c.1693G>A on transcript NM_001160372.4 (MANE Select); coding-DNA position 1693, G replaced by A.
Protein change: p.Val565Met; replaces valine 565 with methionine.
Molecular consequence: missense variant. On other transcripts: non-coding transcript variant (1).
Genome position (GRCh38, 1-based): chr8:140,300,544, C>T on the plus strand (G>A on the coding strand, the complement: TRAPPC9 is on the minus strand). VCF-style: chr8-140300544-C-T. GRCh37 (hg19) VCF-style: chr8-141310643-C-T.
Other names: c.1987G>A (NM_031466.7); c.1666G>A, p.Val556Met (NM_001321646.2); c.1714G>A, p.Val572Met (NM_001374682.1); c.1693G>A, p.Val565Met (NM_001374683.1, NM_031466.8); c.1549G>A, p.Val517Met (NM_001374684.1); short protein forms V565M, V556M, V517M, V572M.
Identifiers: ClinVar variation 212419 (VCV000212419.12), dbSNP rs551407866, ClinGen allele CA206094.

ClinVar aggregate classification (germline): Benign/Likely benign. Review status: criteria provided, multiple submitters, no conflicts (2 of 4 stars). 4 submissions from 4 submitters: Benign (1); Likely benign (2). 1 of the submissions does not count toward it. Last evaluated 2026-01-08.

Conditions:
TRAPPC9-related disorder. Also called: TRAPPC9-related condition.
Inborn genetic diseases. Identifiers: MedGen C0950123, MeSH D030342.

Allele frequency attached by ClinVar (database versions not stated): gnomAD 0.00002 and 0.00015; ExAC 0.00041; 1000 Genomes Project 0.00100; 1000 Genomes Project 30x 0.00094; TOPMed 0.00003; gnomAD exomes 0.00043.
gnomAD v4.1: 334 of 1,614,210 alleles (0.021%); highest among the groups gnomAD compares: South Asian, 0.35%; 9 homozygotes.

Submissions (4):

Labcorp Genetics (formerly Invitae), Labcorp
Classification: Benign. Last evaluated: 2026-01-08. Review status: criteria provided, single submitter. Criteria: Invitae Variant Classification Sherloc (09022015). Collection method: clinical testing. Allele origin: germline.

Ambry Genetics
Classification: Likely benign for Inborn genetic diseases. Last evaluated: 2024-01-24. Review status: criteria provided, single submitter. Criteria: Ambry Variant Classification Scheme 2023. Collection method: clinical testing. Allele origin: germline.

Genetic Services Laboratory, University of Chicago
Classification: Likely benign. Last evaluated: 2016-01-08. Review status: criteria provided, single submitter. Criteria: ACMG Guidelines, 2015. Collection method: clinical testing. Allele origin: germline. Affected: no.

PreventionGenetics, part of Exact Sciences
Classification: Likely benign for TRAPPC9-related condition. Last evaluated: 2021-07-29. Review status: no assertion criteria provided. Collection method: clinical testing. Allele origin: germline. Not counted in ClinVar's aggregate classification.
Comment: This variant is classified as likely benign based on ACMG/AMP sequence variant interpretation guidelines (Richards et al. 2015 PMID: 25741868, with internal and published modifications).